The following is an entry in ClinVar:

NM_181426.2(CCDC39):c.2650C>A (p.His884Asn)

Genes: CCDC39 (coiled-coil domain 39 molecular ruler complex subunit; minus strand), TTC14 (tetratricopeptide repeat domain 14; plus strand). Cytogenetic location: 3q26.33.
Variant type: single nucleotide variant.
Coding change: c.2650C>A on transcript NM_181426.2 (MANE Select); coding-DNA position 2650, C replaced by A.
Protein change: p.His884Asn; replaces histidine 884 with asparagine.
Molecular consequence: missense variant. On other transcripts: intron variant (1).
Genome position (GRCh38, 1-based): chr3:180,616,300, G>T on the plus strand (C>A on the coding strand, the complement: CCDC39 is on the minus strand). VCF-style: chr3-180616300-G-T. GRCh37 (hg19) VCF-style: chr3-180334088-G-T.
Other names: c.1775-1080G>T (NM_001288582.2); short protein forms H884N.
Identifiers: ClinVar variation 3699481 (VCV003699481.3).

ClinVar aggregate classification (germline): Uncertain significance. Review status: criteria provided, multiple submitters, no conflicts (2 of 4 stars). 2 submissions from 2 submitters: Uncertain significance (2). Last evaluated 2025-08-24.

Conditions:
Primary ciliary dyskinesia. Also called: Ciliary dyskinesia. Identifiers: Orphanet 244, MedGen C0008780, MONDO:0016575, HP:0012265.

gnomAD v4.1: 4 of 1,613,330 alleles (0.00025%); highest among the groups gnomAD compares: Admixed American, 0.0067%; no homozygotes.

Submissions (2):

Ambry Genetics
Classification: Uncertain significance for Primary ciliary dyskinesia. Last evaluated: 2025-08-24. Review status: criteria provided, single submitter. Criteria: Ambry Variant Classification Scheme 2023. Collection method: clinical testing. Allele origin: germline.

Labcorp Genetics (formerly Invitae), Labcorp
Classification: Uncertain significance for Primary ciliary dyskinesia. Last evaluated: 2024-10-18. Review status: criteria provided, single submitter. Criteria: Invitae Variant Classification Sherloc (09022015). Collection method: clinical testing. Allele origin: germline.
Comment: This sequence change replaces histidine, which is basic and polar, with asparagine, which is neutral and polar, at codon 884 of the CCDC39 protein (p.His884Asn). This variant is present in population databases (no rsID available, gnomAD 0.009%). This variant has not been reported in the literature in individuals affected with CCDC39-related conditions. An algorithm developed to predict the effect of missense changes on protein structure and function (PolyPhen-2) suggests that this variant is likely to be tolerated. In summary, the available evidence is currently insufficient to determine the role of this variant in disease. Therefore, it has been classified as a Variant of Uncertain Significance.